The following is an entry in ClinVar:

NM_000204.5(CFI):c.482+8C>T

Gene: CFI (complement factor I; minus strand). Cytogenetic location: 4q25.
Variant type: single nucleotide variant.
Coding change: c.482+8C>T on transcript NM_000204.5 (MANE Select); 8 bases into the intron after coding-DNA position 482, C replaced by T.
Molecular consequence: intron variant.
Genome position (GRCh38, 1-based): chr4:109,764,529, G>A on the plus strand (C>T on the coding strand, the complement: CFI is on the minus strand). VCF-style: chr4-109764529-G-A. GRCh37 (hg19) VCF-style: chr4-110685685-G-A.
Other names: p.?; c.482+8C>T (NM_001375282.1, NM_001375280.1, NM_001375281.1 and 5 more transcripts); c.-127-2837C>T (NM_001375284.1).
Identifiers: ClinVar variation 709211 (VCV000709211.13), dbSNP rs371324158, ClinGen allele CA3042261.
Genomic context (GRCh38, chr4:109,764,529, plus strand): 5'-TAGGTAATCAAAAAGCAAACAGAACAATTAAATCAGCCATGAGAAAATCCACTGATACAA[G>A]CGCTCACTGTTGAAACCCAAGGTCAAGGCAGGCCACGTTGGCTTCCCTCATGCTCCAGCT-3'

ClinVar aggregate classification (germline): Conflicting classifications of pathogenicity. Review status: criteria provided, conflicting classifications (1 of 4 stars). 6 submissions from 6 submitters: Uncertain significance (1); Benign (2); Likely benign (2). 1 of the submissions does not count toward it. Last evaluated 2026-01-27.

Conditions:
CFI-related disorder. Also called: CFI-related disorders; CFI-related condition. Identifiers: MedGen CN239325.
Atypical hemolytic-uremic syndrome. Identifiers: Orphanet 2134, MedGen C2931788, MONDO:0016244.

Allele frequency attached by ClinVar (database versions not stated): gnomAD exomes 0.00018 and 0.00039; ExAC 0.00029; 1000 Genomes Project 30x 0.00031; 1000 Genomes Project 0.00040; ESP Exome Variant Server 0.00062; gnomAD 0.00076 and 0.00082; TOPMed 0.00102.
gnomAD v4.1: 394 of 1,613,874 alleles (0.024%); highest among the groups gnomAD compares: Admixed American, 0.19%; no homozygotes.

Submissions (6):

Labcorp Genetics (formerly Invitae), Labcorp
Classification: Benign. Last evaluated: 2026-01-27. Review status: criteria provided, single submitter. Criteria: Invitae Variant Classification Sherloc (09022015). Collection method: clinical testing. Allele origin: germline.

Mayo Clinic Laboratories, Mayo Clinic
Classification: Likely benign. Last evaluated: 2025-10-14. Review status: criteria provided, single submitter. Criteria: ACMG Guidelines, 2015. Collection method: clinical testing. Allele origin: germline. Observed: 6 variant alleles.
Comment: BP4, BP7

Genomenon, Inc
Classification: Uncertain significance for Atypical hemolytic-uremic syndrome. Last evaluated: 2025-09-26. Review status: criteria provided, single submitter. Criteria: Genomenon Sequence Variant Interpretation Standards - Updated. Collection method: curation. Allele origin: germline. Affected: yes.
Comment: CFI c.482+8C>T is an intronic variant located in intron 3. This variant has been observed in at least one proband affected with atypical hemolytic-uremic syndrome (PMID:34169201). In silico models agree that this variant is not damaging. In conclusion, we classify CFI c.482+8C>T as a variant of unknown significance.

Blueprint Genetics
Classification: Likely benign. Last evaluated: 2024-08-30. Review status: criteria provided, single submitter. Criteria: ACMG Guidelines, 2015. Collection method: clinical testing. Allele origin: germline.

Women's Health and Genetics/Laboratory Corporation of America, LabCorp
Classification: Benign. Last evaluated: 2023-05-17. Review status: criteria provided, single submitter. Criteria: LabCorp Variant Classification Summary - May 2015. Collection method: clinical testing. Allele origin: germline.
Comment: Variant summary: CFI c.482+8C>T alters a non-conserved nucleotide located close to a canonical splice site and therefore could affect mRNA splicing, leading to a significantly altered protein sequence. 4/4 computational tools predict no significant impact on normal splicing. However, these predictions have yet to be confirmed by functional studies. The variant allele was found at a frequency of 0.00054 in 396076 control chromosomes, including 1 homozygote, and predominantly reported at a frequency of 0.002 within the Latino and subpopulation in the gnomAD database. The observed variant frequency within Latino control individuals in the gnomAD database is approximately 1.8 fold of the estimated maximal expected allele frequency for a pathogenic variant in CFI causing Complement Factor I Deficiency phenotype (0.0011), strongly suggesting that the variant is a benign polymorphism. c.482+8C>T has been reported in the literature in at least one individual affected with atypical hemolytic uremic syndrome, however without strong evidence for causality, and the variant was also identified in healthy carriers (e.g., Ardissino_2021). This report therefore does not provide unequivocal conclusions about association of the variant with Complement Factor I Deficiency. To our knowledge, no experimental evidence demonstrating an impact on protein function has been reported. The following publication have been ascertained in the context of this evaluation (PMID: 34169201). One clinical diagnostic laboratory has submitted clinical-significance assessments for this variant to ClinVar after 2014 and classified the variant as benign. Based on the evidence outlined above, the variant was classified as benign.

PreventionGenetics, part of Exact Sciences
Classification: Likely benign for CFI-related condition. Last evaluated: 2020-01-02. Review status: no assertion criteria provided. Collection method: clinical testing. Allele origin: germline. Not counted in ClinVar's aggregate classification.
Comment: This variant is classified as likely benign based on ACMG/AMP sequence variant interpretation guidelines (Richards et al. 2015 PMID: 25741868, with internal and published modifications).

Literature cited by the submitters: PubMed 34169201 (cited by 3 submitters); PubMed 38096369 (cited by Mayo Clinic Laboratories, Mayo Clinic).